The following is an entry in ClinVar:

NM_001034853.2(RPGR):c.3357G>T (p.Arg1119Ser)

Gene: RPGR (retinitis pigmentosa GTPase regulator; minus strand). Cytogenetic location: Xp11.4.
Variant type: single nucleotide variant.
Coding change: c.3357G>T on transcript NM_001034853.2 (MANE Select); coding-DNA position 3357, G replaced by T.
Protein change: p.Arg1119Ser; replaces arginine 1119 with serine.
Molecular consequence: missense variant. On other transcripts: intron variant (8).
Genome position (GRCh38, 1-based): chrX:38,285,642, C>A on the plus strand (G>T on the coding strand, the complement: RPGR is on the minus strand). VCF-style: chrX-38285642-C-A. GRCh37 (hg19) VCF-style: chrX-38144895-C-A.
Other names: c.1569+5317G>T (NM_001367249.1, NM_001367250.1); c.1902+1452G>T (NM_001367245.1); c.1386+5317G>T (NM_001367251.1); c.1719+1452G>T (NM_001367246.1); c.1572+5317G>T (NM_001367247.1); c.1905+1452G>T (NM_000328.3); c.1602+5317G>T (NM_001367248.1); short protein forms R1119S.
Identifiers: ClinVar variation 3368726 (VCV003368726.1).

ClinVar aggregate classification (germline): Uncertain significance (1 of 4 stars; one submission).

Submission:

GeneDx
Classification: Uncertain significance. Last evaluated: 2024-02-05. Review status: criteria provided, single submitter. Criteria: GeneDx Variant Classification Process June 2021. Collection method: clinical testing. Allele origin: germline. Affected: yes.
Comment: Not observed at significant frequency in large population cohorts (gnomAD); In silico analysis supports that this missense variant does not alter protein structure/function; Has not been previously published as pathogenic or benign to our knowledge